The following is an entry in ClinVar:

ClinVar aggregate classification (germline): Conflicting classifications of pathogenicity. Review status: criteria provided, conflicting classifications (1 of 4 stars). 17 submissions from 17 submitters: Uncertain significance (3); Benign (2); Likely benign (7). 5 of the submissions do not count toward it. Last evaluated 2026-02-03.

Conditions:
BRCA2-related disorder. Also called: BRCA2-related condition; BRCA2-related disorders. Identifiers: MedGen CN239275.
Hereditary cancer-predisposing syndrome. Also called: Tumor predisposition; Neoplastic Syndromes, Hereditary; Hereditary Cancer Syndrome; Hereditary neoplastic syndrome. Identifiers: Orphanet 140162, MedGen C0027672, MeSH D009386, MONDO:0015356.
Hereditary breast ovarian cancer syndrome. Also called: Hereditary breast and ovarian cancer syndrome; Hereditary breast and ovarian cancer; Hereditary breast and ovarian cancer syndrome (HBOC); Hereditary breast and/or ovarian cancer syndrome; Breast and ovarian cancer; BRCA1- and BRCA2-Associated Hereditary Breast and Ovarian Cancer. Identifiers: Orphanet 145, MedGen C0677776, MeSH D061325, MONDO:0003582. Disease mechanism: loss of function.
Breast-ovarian cancer, familial, susceptibility to, 2 (BROVCA2). Also called: BRCA2 Hereditary Breast and Ovarian Cancer. Identifiers: Orphanet 145, MedGen C2675520, MONDO:0012933, OMIM 612555. Disease mechanism: loss of function.
Malignant tumor of breast. Also called: Cancer breast; Malignant breast neoplasm. Identifiers: MedGen C0006142, MONDO:0007254. Disease mechanism: loss of function.

Allele frequency attached by ClinVar (database versions not stated): gnomAD 0.00001; TOPMed 0.00001; ExAC 0.00002; gnomAD exomes 0.00002.

Submissions (17):

Labcorp Genetics (formerly Invitae), Labcorp
Classification: Likely benign for Hereditary breast ovarian cancer syndrome. Last evaluated: 2026-02-03. Review status: criteria provided, single submitter. Criteria: Invitae Variant Classification Sherloc (09022015). Collection method: clinical testing. Allele origin: germline.

Women's Health and Genetics/Laboratory Corporation of America, LabCorp
Classification: Likely benign. Last evaluated: 2026-01-14. Review status: criteria provided, single submitter. Criteria: LabCorp Variant Classification Summary - May 2015. Collection method: clinical testing. Allele origin: germline.
Comment: Variant summary: BRCA2 c.8687G>A (p.Arg2896His) results in a non-conservative amino acid change located in the tower domain within the OB2 fold (Karchin_2008) in the DNA binding region of the encoded protein sequence. Algorithms developed to predict the effect of missense changes on protein structure and function are either unavailable or do not agree on the potential impact of this missense change. The variant allele was found at a frequency of 2e-05 in 252456 control chromosomes. The available data on variant occurrences in the general population are insufficient to allow any conclusion about variant significance. c.8687G>A has been reported in the literature in individuals affected with a personal and/or family history of breast and/or ovarian cancer (e.g. Lu_2012, Farra_2019, Salmi_2021), but was found also in healthy controls (e.g. Johnston_2012, and in the FLOSSIES database). These reports do not provide unequivocal conclusions about association of the variant with Hereditary Breast and Ovarian Cancer Syndrome. At least one publication reported experimental evidence evaluating an impact on protein function, and demonstrated that the variant protein had a similar activity to the wild type in a homology-directed repair assay (Karchin_2008). The HDR assay qualifies as a standardized gold-standard assay on the basis of the updated guidance provided by the ClinGen Sequence Variant Interpretation (SVI) Working Group (Brnich_2019). ClinGen SVI now recognizes benign functional evidence as sufficient for likely benign (Tavtigian_2018). The following publications have been ascertained in the context of this evaluation (PMID: 22703879, 19043619, 22476429, 25348012, 31131967, 30675319, 34242281). ClinVar contains an entry for this variant (Variation ID: 41568). Based on the evidence outlined above, the variant was classified as likely benign.

PreventionGenetics, part of Exact Sciences
Classification: Likely benign for BRCA2-related condition. Last evaluated: 2025-08-08. Review status: criteria provided, single submitter. Criteria: ACMG Guidelines, 2015. Collection method: clinical testing. Allele origin: germline.
Comment: This variant is classified as likely benign based on ACMG/AMP sequence variant interpretation guidelines (Richards et al. 2015 PMID: 25741868, with internal and published modifications).

Mayo Clinic Laboratories, Mayo Clinic
Classification: Likely benign. Last evaluated: 2025-06-06. Review status: criteria provided, single submitter. Criteria: ACMG Guidelines, 2015. Collection method: clinical testing. Allele origin: germline. Observed: 1 variant allele.
Comment: BS1_supporting, BS3

Blueprint Genetics
Classification: Benign. Last evaluated: 2024-08-12. Review status: criteria provided, single submitter. Criteria: ACMG Guidelines, 2015. Collection method: clinical testing. Allele origin: germline.

St. Jude Molecular Pathology, St. Jude Children's Research Hospital
Classification: Uncertain significance for Breast-ovarian cancer, familial, susceptibility to, 2. Last evaluated: 2022-02-10. Review status: criteria provided, single submitter. Criteria: St. Jude Assertion Criteria 2020. Collection method: clinical testing. Allele origin: germline.
Comment: The BRCA2 c.8687G>A (p.Arg2896His) missense change has a maximum frequency of 0.006152% in gnomAD v2.1.1. Seven of seven in silico tools predict a benign effect of this variant on protein function (BP4), but to our knowledge these predictions have not been confirmed by functional assays. This variant was reported in an individual with prostate cancer (PMID: 34242281). In summary, this variant meets criteria to be classified as of uncertain significance based on the ACMG/AMP criteria: BP4.

Sema4
Classification: Uncertain significance for Hereditary cancer-predisposing syndrome. Last evaluated: 2021-12-28. Review status: criteria provided, single submitter. Criteria: Sema4 Curation Guidelines. Collection method: curation. Allele origin: germline.
Comment: The BRCA2 c.8687G>A (p.R2896H) variant has been reported in heterozygosity in at least 3 individuals with breast, ovarian and prostate cancer (PMID: 22476429, 30675319, 34242281). It has been reported in a large case-control study of breast cancer in 1/60466 cases and 1/53461 controls (PMID: 33471991). It was observed in 4/251312 chromosomes across all subpopulations in the Genome Aggregation Database (PMID: 32461654). This variant has been reported in ClinVar (Variation ID: 41568). In silico predictions of the variant's effect on protein function are inconclusive and homology directed repair studies have demonstrated normal protein function (PMID: 19043619). The evidence is insufficient to meet ACMG/AMP criteria for classifying the variant as benign or pathogenic. Thus, the clinical significance of this variant is currently uncertain.

GeneDx
Classification: Likely benign. Last evaluated: 2021-04-07. Review status: criteria provided, single submitter. Criteria: GeneDx Variant Classification Process June 2021. Collection method: clinical testing. Allele origin: germline. Affected: yes.
Comment: This variant is associated with the following publications: (PMID: 22703879, 19043619, 24817641, 22476429, 25348012, 31131967)

CeGaT Center for Human Genetics Tuebingen
Classification: Uncertain significance. Last evaluated: 2021-04-01. Review status: criteria provided, single submitter. Criteria: CeGaT Center For Human Genetics Tuebingen Variant Classification Criteria Version 2. Collection method: clinical testing. Allele origin: germline. Affected: yes. Observed: 1 variant allele.

Quest Diagnostics Nichols Institute San Juan Capistrano
Classification: Likely benign. Last evaluated: 2019-05-10. Review status: criteria provided, single submitter. Criteria: Quest Diagnostics criteria. Collection method: clinical testing. Allele origin: germline.

Ambry Genetics
Classification: Likely benign for Hereditary cancer-predisposing syndrome. Last evaluated: 2018-12-31. Review status: criteria provided, single submitter. Criteria: Ambry Variant Classification Scheme 2023. Collection method: clinical testing. Allele origin: germline.

Color Diagnostics, LLC DBA Color Health
Classification: Benign for Hereditary cancer-predisposing syndrome. Last evaluated: 2016-11-21. Review status: criteria provided, single submitter. Criteria: ACMG Guidelines, 2015. Collection method: clinical testing. Allele origin: germline.

Counsyl
Classification: Uncertain significance for Breast-ovarian cancer, familial, susceptibility to, 2. Last evaluated: 2015-12-29. Review status: no assertion criteria provided. Collection method: clinical testing. Allele origin: unknown. Not counted in ClinVar's aggregate classification.

Biesecker Lab/Clinical Genomics Section, National Institutes of Health
Classification: Uncertain significance. Last evaluated: 2012-07-13. Review status: no assertion criteria provided. Collection method: research. Allele origin: germline. Affected: no. Observed: 1 variant allele. Study: ClinSeq. Not counted in ClinVar's aggregate classification.
ClinVar note: Converted during submission from variant of unknown significance to Uncertain significance.

Sharing Clinical Reports Project (SCRP)
Classification: Benign for Breast-ovarian cancer, familial 2. Last evaluated: 2010-12-08. Review status: no assertion criteria provided. Collection method: clinical testing. Allele origin: germline. Not counted in ClinVar's aggregate classification.

Breast Cancer Information Core (BIC) (BRCA2)
Classification: Uncertain significance for Breast-ovarian cancer, familial 2. Last evaluated: 2002-05-29. Review status: no assertion criteria provided. Collection method: clinical testing. Allele origin: germline. Affected: yes. Observed: 3 variant alleles. Not counted in ClinVar's aggregate classification.

Department of Pathology and Laboratory Medicine, Sinai Health System
Classification: Likely benign for Malignant tumor of breast. Review status: no assertion criteria provided. Collection method: clinical testing. Allele origin: unknown. Affected: yes. Study: The Canadian Open Genetics Repository (COGR). Not counted in ClinVar's aggregate classification.
Comment: The p.Arg2896His variant is listed 3 times in the BIC database. It is listed in dbSNP database as coming from a "clinical source" (ID#: rs80359128) but no frequency information was provided, and so the frequency in the general population is not known. The p.Arg289 residue is not highly conserved in mammals and the variant amino acid histidine (His) is present in rat, mouse and chicken, increasing the likelihood this variant does not have important functional or clinical signficance. In addition, computational analyses (SIFT, PolyPhen2, and AlignGVGD) do not suggest a high likelihood of impact to the protein, but this information is not predictive enough to rule out pathogenicity. In addition, one in-silico study reported this variant as neutral (Karchin 2008). In summary, based on the current information presented above, this variant is predicted benign.

Literature cited by the submitters: PubMed 19043619 (cited by 4 submitters); PubMed 22476429 (cited by 3 submitters); PubMed 25348012 (cited by Women's Health and Genetics/Laboratory Corporation of America, LabCorp and Counsyl); PubMed 31131967 (cited by Women's Health and Genetics/Laboratory Corporation of America, LabCorp); PubMed 30675319 (cited by 3 submitters); PubMed 34242281 (cited by Women's Health and Genetics/Laboratory Corporation of America, LabCorp and Sema4); PubMed 33471991 (cited by Sema4); PubMed 24817641 (cited by Counsyl).

NM_000059.4(BRCA2):c.8687G>A (p.Arg2896His)

Gene: BRCA2 (BRCA2 DNA repair associated; plus strand). Cytogenetic location: 13q13.1.
Variant type: single nucleotide variant.
Coding change: c.8687G>A on transcript NM_000059.4 (MANE Select); coding-DNA position 8687, G replaced by A.
Protein change: p.Arg2896His; replaces arginine 2896 with histidine.
Molecular consequence: missense variant.
Genome position (GRCh38, 1-based): chr13:32,376,724, G>A. VCF-style: chr13-32376724-G-A. GRCh37 (hg19) VCF-style: chr13-32950861-G-A.
Other names: 8915G>A; short protein forms R2896H.
Identifiers: ClinVar variation 41568 (VCV000041568.70), dbSNP rs80359128, ClinGen allele CA025781.